The following is an entry in ClinVar:

NM_004431.5(EPHA2):c.1583-4C>T

Gene: EPHA2 (EPH receptor A2; minus strand). Cytogenetic location: 1p36.13.
Variant type: single nucleotide variant.
Coding change: c.1583-4C>T on transcript NM_004431.5 (MANE Select); 4 bases into the intron before coding-DNA position 1583, C replaced by T.
Molecular consequence: intron variant.
Genome position (GRCh38, 1-based): chr1:16,134,571, G>A on the plus strand (C>T on the coding strand, the complement: EPHA2 is on the minus strand). VCF-style: chr1-16134571-G-A. GRCh37 (hg19) VCF-style: chr1-16461066-G-A.
Other names: c.1421-4C>T (NM_001329090.2).
Identifiers: ClinVar variation 4995766 (VCV004995766.1).

ClinVar aggregate classification (germline): Likely benign (1 of 4 stars; one submission).

Conditions:
EPHA2-related disorder. Also called: EPHA2-related condition.

Submission:

PreventionGenetics, part of Exact Sciences
Classification: Likely benign for EPHA2-related condition. Last evaluated: 2025-12-16. Review status: criteria provided, single submitter. Criteria: ACMG Guidelines, 2015. Collection method: clinical testing. Allele origin: germline.
Comment: This variant is classified as likely benign based on ACMG/AMP sequence variant interpretation guidelines (Richards et al. 2015 PMID: 25741868, with internal and published modifications).